The following is an entry in ClinVar:

NM_000256.3(MYBPC3):c.906-1G>A

Gene: MYBPC3 (myosin binding protein C3; minus strand). Cytogenetic location: 11p11.2.
Variant type: single nucleotide variant.
Coding change: c.906-1G>A on transcript NM_000256.3 (MANE Select); the canonical splice acceptor site of the intron before coding-DNA position 906, G replaced by A.
Molecular consequence: splice acceptor variant.
Genome position (GRCh38, 1-based): chr11:47,347,030, C>T on the plus strand (G>A on the coding strand, the complement: MYBPC3 is on the minus strand). VCF-style: chr11-47347030-C-T. GRCh37 (hg19) VCF-style: chr11-47368581-C-T.
Identifiers: ClinVar variation 279971 (VCV000279971.9), dbSNP rs587776700, ClinGen allele CA10603214.

ClinVar aggregate classification (germline): Pathogenic. Review status: criteria provided, multiple submitters, no conflicts (2 of 4 stars). 2 submissions from 2 submitters: Pathogenic (2). Last evaluated 2023-12-11.

Conditions:
Hypertrophic cardiomyopathy. Also called: HYPERTROPHIC MYOCARDIOPATHY. Identifiers: Orphanet 217569, MedGen C0007194, MeSH D002312, MONDO:0005045, HP:0001639.

Submissions (2):

Labcorp Genetics (formerly Invitae), Labcorp
Classification: Pathogenic for Hypertrophic cardiomyopathy. Last evaluated: 2023-12-11. Review status: criteria provided, single submitter. Criteria: Invitae Variant Classification Sherloc (09022015). Collection method: clinical testing. Allele origin: germline.
Comment: This sequence change affects an acceptor splice site in intron 9 of the MYBPC3 gene. RNA analysis indicates that disruption of this splice site induces altered splicing and may result in an absent or disrupted protein product. This variant is not present in population databases (gnomAD no frequency). Disruption of this splice site has been observed in individual(s) with clinical features of MYBPC3-related conditions (PMID: 18337725). ClinVar contains an entry for this variant (Variation ID: 279971). Studies have shown that disruption of this splice site results in skipping of 2 nucleotides of exon 10 and introduces a premature termination codon (PMID: 18337725). The resulting mRNA is expected to undergo nonsense-mediated decay. For these reasons, this variant has been classified as Pathogenic.

GeneDx
Classification: Pathogenic. Last evaluated: 2018-10-04. Review status: criteria provided, single submitter. Criteria: GeneDx Variant Classification (06012015). Collection method: clinical testing. Allele origin: germline. Affected: yes.
Comment: Although the c.906-1 G>A variant has not been reported as a pathogenic variant nor as a benign variant to our knowledge, this variant destroys the canonical splice acceptor site in intron 9 and is predicted to cause abnormal gene splicing. The variant is predicted to lead to either an abnormal message that is subject to nonsense-mediated mRNA decay, or to an abnormal protein product if the message is used for protein translation. Other splice site variants, including a pathogenic variant in the same splice acceptor site (c.906-1 G>C), have been reported in HGMD in association with hypertrophic cardiomyopathy (Stenson et al., 2014). Furthermore, the c.906-1 G>A variant was not observed in approximately 6,100 individuals of European and African American ancestry in the NHLBI Exome Sequencing Project, indicating it is not a common benign variant in these populations.

Literature cited by the submitters: PubMed 18337725 (cited by Labcorp Genetics (formerly Invitae), Labcorp).